The following is an entry in ClinVar:

NM_003890.3(FCGBP):c.10746T>C (p.Gly3582=)

Gene: FCGBP (Fc gamma binding protein; minus strand). Cytogenetic location: 19q13.2.
Variant type: single nucleotide variant.
Coding change: c.10746T>C on transcript NM_003890.3 (MANE Select); coding-DNA position 10746, T replaced by C.
Protein change: p.Gly3582=; no amino-acid change (glycine 3582 retained).
Molecular consequence: synonymous variant.
Genome position (GRCh38, 1-based): chr19:39,889,929, A>G on the plus strand (T>C on the coding strand, the complement: FCGBP is on the minus strand). VCF-style: chr19-39889929-A-G. GRCh37 (hg19) VCF-style: chr19-40380569-A-G.
Identifiers: ClinVar variation 2649849 (VCV002649849.24), dbSNP rs1243735501, ClinGen allele CA882180038.
Genomic context (GRCh38, chr19:39,889,929, plus strand): 5'-CAGTGGGTAGTAGCGGTCATCGTGGAGGCAGCCACACTGGCCCACAGGTACACACGTGTC[A>G]CCACTGAGCACGAAGCCAGCATCGCAGACACAGCCTTCACGGCAGGCCGACTCACAGCCC-3'
Protein context (NP_003881.2, residues 3572-3592): CVCDAGFVLS[Gly3582=]DTCVPVGQCG

ClinVar aggregate classification (germline): Likely benign (1 of 4 stars; one submission).

Allele frequency attached by ClinVar (database versions not stated): gnomAD 0.00072; 1000 Genomes Project 30x 0.00078.

Submission:

CeGaT Center for Human Genetics Tuebingen
Classification: Likely benign. Last evaluated: 2022-03-01. Review status: criteria provided, single submitter. Criteria: CeGaT Center For Human Genetics Tuebingen Variant Classification Criteria Version 2. Collection method: clinical testing. Allele origin: germline. Affected: yes. Observed: 1 variant allele.
Comment: FCGBP: BP4, BP7